The following is an entry in ClinVar:

ClinVar aggregate classification (germline): Likely pathogenic (1 of 4 stars; one submission).

Conditions:
DNAH9-related disorder. Also called: DNAH9-related condition.

Submission:

PreventionGenetics, part of Exact Sciences
Classification: Likely pathogenic for DNAH9-related condition. Last evaluated: 2026-07-21. Review status: criteria provided, single submitter. Criteria: ACMG Guidelines, 2015. Collection method: clinical testing. Allele origin: germline.
Comment: The DNAH9 c.10296delT variant is predicted to result in a frameshift and premature protein termination (p.Asp3432Glufs*67). To our knowledge, this variant has not been reported in the literature or in a large population database (gnomAD), indicating this variant is rare. Frameshift variants in DNAH9 are expected to be pathogenic. This variant is interpreted as likely pathogenic.

NM_001372.4(DNAH9):c.10296del (p.Asp3432fs)

Genes: DNAH9 (dynein axonemal heavy chain 9; plus strand), LOC101928350 (uncharacterized LOC101928350; minus strand). Cytogenetic location: 17p12.
Variant type: Deletion.
Coding change: c.10296del on transcript NM_001372.4 (MANE Select); coding-DNA position 10296, one base deleted (T; older notation c.10296delT).
Protein change: p.Asp3432fs; shifts the reading frame from aspartic acid 3432.
Molecular consequence: frameshift variant. On other transcripts: non-coding transcript variant (1).
Genome position (GRCh38, 1-based): chr17:11,875,002, T deleted. VCF-style (leftmost placement, unchanged base first): chr17-11875001-AT-A. GRCh37 (hg19) VCF-style: chr17-11778318-AT-A.
Other names: short protein forms D3432fs.
Identifiers: ClinVar variation 4995866 (VCV004995866.1).
Genomic context (GRCh38, chr17:11,875,001, plus strand): 5'-TTCACCAGACTCCCATTCCAGTCACCCCAGCCCTGGATCCCCTGAGGATGCTGATGGATG[AT>A]GCTGACGTGGCTGCCTGGCAGAACGAGGGCCTCCCAGCCGACCGCATGTCCGTGGAGAAT-3'